The following is an entry in ClinVar:

ClinVar aggregate classification (germline): Likely benign. Review status: criteria provided, multiple submitters, no conflicts (2 of 4 stars). 2 submissions from 2 submitters: Likely benign (2). Last evaluated 2026-06-01.

Allele frequency attached by ClinVar (database versions not stated): TOPMed 0.00001; gnomAD 0.00002; gnomAD exomes 0.00002.
gnomAD v4.1: 16 of 1,614,086 alleles (0.00099%); highest among the groups gnomAD compares: Non-Finnish European, 0.0014%; no homozygotes.

Submissions (2):

CeGaT Center for Human Genetics Tuebingen
Classification: Likely benign. Last evaluated: 2026-06-01. Review status: criteria provided, single submitter. Criteria: CeGaT Center For Human Genetics Tuebingen Variant Classification Criteria Version 2. Collection method: clinical testing. Allele origin: germline. Affected: yes. Observed: 2 variant alleles.
Comment: HIVEP2: BP4, BP7

Labcorp Genetics (formerly Invitae), Labcorp
Classification: Likely benign. Last evaluated: 2025-05-22. Review status: criteria provided, single submitter. Criteria: Invitae Variant Classification Sherloc (09022015). Collection method: clinical testing. Allele origin: germline.

NM_006734.4(HIVEP2):c.2634C>G (p.Pro878=)

Gene: HIVEP2 (HIVEP zinc finger 2; minus strand). Cytogenetic location: 6q24.2.
Variant type: single nucleotide variant.
Coding change: c.2634C>G on transcript NM_006734.4 (MANE Select); coding-DNA position 2634, C replaced by G.
Protein change: p.Pro878=; no amino-acid change (proline 878 retained).
Molecular consequence: synonymous variant.
Genome position (GRCh38, 1-based): chr6:142,772,105, G>C on the plus strand (C>G on the coding strand, the complement: HIVEP2 is on the minus strand). VCF-style: chr6-142772105-G-C. GRCh37 (hg19) VCF-style: chr6-143093242-G-C.
Identifiers: ClinVar variation 2656957 (VCV002656957.25), dbSNP rs1289040207, ClinGen allele CA452715777.